The following is an entry in ClinVar:

NM_007160.4(OR2H2):c.658A>G (p.Thr220Ala)

Gene: OR2H2 (olfactory receptor family 2 subfamily H member 2; plus strand). Cytogenetic location: 6p22.1.
Variant type: single nucleotide variant.
Coding change: c.658A>G on transcript NM_007160.4 (MANE Select); coding-DNA position 658, A replaced by G.
Protein change: p.Thr220Ala; replaces threonine 220 with alanine.
Molecular consequence: missense variant.
Genome position (GRCh38, 1-based): chr6:29,588,602, A>G. VCF-style: chr6-29588602-A-G. GRCh37 (hg19) VCF-style: chr6-29556379-A-G.
Other names: short protein forms T220A.
Identifiers: ClinVar variation 5040859 (VCV005040859.1).

ClinVar aggregate classification (germline): Likely benign (1 of 4 stars; one submission).

gnomAD v4.1: 4,642 of 1,156,296 alleles (0.4%); highest among the groups gnomAD compares: Admixed American, 0.71%; 15 homozygotes.

Submission:

CeGaT Center for Human Genetics Tuebingen
Classification: Likely benign. Last evaluated: 2026-09-01. Review status: criteria provided, single submitter. Criteria: CeGaT Center For Human Genetics Tuebingen Variant Classification Criteria Version 2. Collection method: clinical testing. Allele origin: germline. Affected: yes. Observed: 1 variant allele.
Comment: OR2H2: BP4, BS2